The following is an entry in ClinVar:

ClinVar aggregate classification (germline): Uncertain significance. Review status: criteria provided, multiple submitters, no conflicts (2 of 4 stars). 2 submissions from 2 submitters: Uncertain significance (2). Last evaluated 2024-12-05.

Conditions:
Inborn genetic diseases. Identifiers: MedGen C0950123, MeSH D030342.

Allele frequency attached by ClinVar (database versions not stated): gnomAD exomes below 0.00001; TOPMed below 0.00001.

Submissions (2):

Ambry Genetics
Classification: Uncertain significance for Inborn genetic diseases. Last evaluated: 2024-12-05. Review status: criteria provided, single submitter. Criteria: Ambry Variant Classification Scheme 2023. Collection method: clinical testing. Allele origin: germline.
Comment: The p.M168T variant (also known as c.503T>C), located in coding exon 7 of the ASXL1 gene, results from a T to C substitution at nucleotide position 503. The methionine at codon 168 is replaced by threonine, an amino acid with similar properties. This amino acid position is conserved. In addition, this alteration is predicted to be tolerated by in silico analysis. Based on the available evidence, the clinical significance of this variant remains unclear.

Labcorp Genetics (formerly Invitae), Labcorp
Classification: Uncertain significance. Last evaluated: 2023-04-30. Review status: criteria provided, single submitter. Criteria: Invitae Variant Classification Sherloc (09022015). Collection method: clinical testing. Allele origin: germline.
Comment: In summary, the available evidence is currently insufficient to determine the role of this variant in disease. Therefore, it has been classified as a Variant of Uncertain Significance. An algorithm developed to predict the effect of missense changes on protein structure and function (PolyPhen-2) suggests that this variant is likely to be disruptive. This variant has not been reported in the literature in individuals affected with ASXL1-related conditions. This variant is not present in population databases (gnomAD no frequency). This sequence change replaces methionine, which is neutral and non-polar, with threonine, which is neutral and polar, at codon 168 of the ASXL1 protein (p.Met168Thr).

NM_015338.6(ASXL1):c.503T>C (p.Met168Thr)

Gene: ASXL1 (ASXL transcriptional regulator 1; plus strand). Cytogenetic location: 20q11.21.
Variant type: single nucleotide variant.
Coding change: c.503T>C on transcript NM_015338.6 (MANE Select); coding-DNA position 503, T replaced by C.
Protein change: p.Met168Thr; replaces methionine 168 with threonine.
Molecular consequence: missense variant.
Genome position (GRCh38, 1-based): chr20:32,429,369, T>C. VCF-style: chr20-32429369-T-C. GRCh37 (hg19) VCF-style: chr20-31017172-T-C.
Other names: c.473T>C, p.Met158Thr (NM_001363734.1); short protein forms M158T, M168T.
Identifiers: ClinVar variation 2860869 (VCV002860869.4), dbSNP rs2011447255, ClinGen allele CA408552504.